The following is an entry in ClinVar:

NM_001035.3(RYR2):c.12678G>A (p.Pro4226=)

Genes: RYR2 (ryanodine receptor 2; plus strand), LOC126806068 (BRD4-independent group 4 enhancer GRCh37_chr1:237947411-237948610; plus strand). Cytogenetic location: 1q43.
Variant type: single nucleotide variant.
Coding change: c.12678G>A on transcript NM_001035.3 (MANE Select); coding-DNA position 12678, G replaced by A.
Protein change: p.Pro4226=; no amino-acid change (proline 4226 retained).
Molecular consequence: synonymous variant.
Genome position (GRCh38, 1-based): chr1:237,784,390, G>A. VCF-style: chr1-237784390-G-A. GRCh37 (hg19) VCF-style: chr1-237947690-G-A.
Other names: c.12678G>A (NM_001035.2).
Identifiers: ClinVar variation 2774398 (VCV002774398.9), dbSNP rs768348987, ClinGen allele CA085217.

ClinVar aggregate classification (germline): Likely benign. Review status: criteria provided, multiple submitters, no conflicts (2 of 4 stars). 5 submissions from 5 submitters: Likely benign (5). Last evaluated 2025-07-03.

Conditions:
Catecholaminergic polymorphic ventricular tachycardia (CVPT). Also called: Catecholamine-induced polymorphic ventricular tachycardia. Identifiers: Orphanet 3286, MedGen C5574922, MONDO:0017990.
Catecholaminergic polymorphic ventricular tachycardia 1. Also called: VENTRICULAR TACHYCARDIA, STRESS-INDUCED POLYMORPHIC 1; VENTRICULAR TACHYCARDIA, CATECHOLAMINERGIC POLYMORPHIC, 1, WITH OR WITHOUT ATRIAL DYSFUNCTION AND/OR DILATED CARDIOMYOPATHY; RYR2-Related Catecholaminergic Polymorphic Ventricular Tachycardia. Identifiers: Orphanet 3286, MedGen C1631597, MONDO:0011484, OMIM 604772.
Cardiovascular phenotype. Identifiers: MedGen CN230736.
Cardiomyopathy (CMYO). Also called: Cardiomyopathies. Identifiers: Orphanet 167848, MedGen C0878544, MONDO:0004994, HP:0001638. Inheritance: Various modes of inheritance.

Allele frequency attached by ClinVar (database versions not stated): ExAC 0.00001; gnomAD 0.00001; gnomAD exomes 0.00001.
gnomAD v4.1: 8 of 1,613,854 alleles (0.0005%); highest among the groups gnomAD compares: East Asian, 0.0022%; no homozygotes.

Submissions (5):

Labcorp Genetics (formerly Invitae), Labcorp
Classification: Likely benign for Catecholaminergic polymorphic ventricular tachycardia 1. Last evaluated: 2025-07-03. Review status: criteria provided, single submitter. Criteria: Invitae Variant Classification Sherloc (09022015). Collection method: clinical testing. Allele origin: germline.

Ambry Genetics
Classification: Likely benign for Cardiovascular phenotype. Last evaluated: 2025-05-18. Review status: criteria provided, single submitter. Criteria: Ambry Variant Classification Scheme 2023. Collection method: clinical testing. Allele origin: germline.

Women's Health and Genetics/Laboratory Corporation of America, LabCorp
Classification: Likely benign. Last evaluated: 2024-03-11. Review status: criteria provided, single submitter. Criteria: LabCorp Variant Classification Summary - May 2015. Collection method: clinical testing. Allele origin: germline.
Comment: Variant summary: RYR2 c.12678G>A alters a non-conserved nucleotide resulting in a synonymous change. Consensus agreement among computation tools predict no significant impact on normal splicing. However, these predictions have yet to be confirmed by functional studies. The variant allele was found at a frequency of 4e-06 in 248392 control chromosomes (gnomAD). The available data on variant occurrences in the general population are insufficient to allow any conclusion about variant significance. To our knowledge, no occurrence of c.12678G>A in individuals affected with Catecholaminergic Polymorphic Ventricular Tachycardia and no experimental evidence demonstrating its impact on protein function have been reported. ClinVar contains an entry for this variant (Variation ID: 2774398). Based on the evidence outlined above, the variant was classified as likely benign.

All of Us Research Program, National Institutes of Health
Classification: Likely benign for Catecholaminergic polymorphic ventricular tachycardia. Last evaluated: 2023-06-26. Review status: criteria provided, single submitter. Criteria: ACMG Guidelines, 2015. Collection method: clinical testing. Allele origin: germline. Inheritance: Autosomal dominant inheritance. Observed: 1 variant allele, 1 heterozygote.
Comment: This study involves interpretation of variants in research participants for the purpose of population health screening. Participant phenotype was not available at the time of variant classification. Additional details can be found in publication PMID: 35346344, PMCID: PMC8962531

Color Diagnostics, LLC DBA Color Health
Classification: Likely benign for Cardiomyopathy. Last evaluated: 2022-11-06. Review status: criteria provided, single submitter. Criteria: ACMG Guidelines, 2015. Collection method: clinical testing. Allele origin: germline.